The following is an entry in ClinVar:

ClinVar aggregate classification (germline): Uncertain significance (1 of 4 stars; one submission).

Conditions:
Dyskeratosis congenita, autosomal dominant 2. Identifiers: MedGen C3151443, MONDO:0013521, OMIM 613989.
Idiopathic Pulmonary Fibrosis. Also called: Idiopathic fibrosing alveolitis, chronic form; idiopathic fibrosing alveolitis. Identifiers: Orphanet 2032, MedGen C1800706, MeSH D054990, MONDO:0800504.

Submission:

Labcorp Genetics (formerly Invitae), Labcorp
Classification: Uncertain significance for Dyskeratosis congenita, autosomal dominant 2; Idiopathic Pulmonary Fibrosis. Last evaluated: 2023-06-16. Review status: criteria provided, single submitter. Criteria: Invitae Variant Classification Sherloc (09022015). Collection method: clinical testing. Allele origin: germline.
Comment: This missense change has been observed in individual(s) with clinical features of TERT-related condition (PMID: 21520174). This variant is not present in population databases (gnomAD no frequency). This sequence change replaces leucine, which is neutral and non-polar, with methionine, which is neutral and non-polar, at codon 14 of the TERT protein (p.Leu14Met). Advanced modeling of protein sequence and biophysical properties (such as structural, functional, and spatial information, amino acid conservation, physicochemical variation, residue mobility, and thermodynamic stability) performed at Invitae indicates that this missense variant is expected to disrupt TERT protein function. In summary, the available evidence is currently insufficient to determine the role of this variant in disease. Therefore, it has been classified as a Variant of Uncertain Significance.

Literature cited by the submitters: PubMed 21520174.

NM_198253.3(TERT):c.40C>A (p.Leu14Met)

Genes: TERT (telomerase reverse transcriptase; minus strand), LOC110806263 (TERT 5' regulatory region; plus strand). Cytogenetic location: 5p15.33.
Variant type: single nucleotide variant.
Coding change: c.40C>A on transcript NM_198253.3 (MANE Select); coding-DNA position 40, C replaced by A.
Protein change: p.Leu14Met; replaces leucine 14 with methionine.
Molecular consequence: missense variant. On other transcripts: non-coding transcript variant (2).
Genome position (GRCh38, 1-based): chr5:1,294,950, G>T on the plus strand (C>A on the coding strand, the complement: TERT is on the minus strand). VCF-style: chr5-1294950-G-T. GRCh37 (hg19) VCF-style: chr5-1295065-G-T.
Other names: c.40C>A, p.Leu14Met (NM_001193376.3, NM_003219.1); short protein forms L14M.
Identifiers: ClinVar variation 2925380 (VCV002925380.3), dbSNP rs2126692794, ClinGen allele CA359059843.
Genomic context (GRCh38, chr5:1,294,950, plus strand): 5'-GGGGCCCCAGGCGCCGCACGAACGTGGCCAGCGGCAGCACCTCGCGGTAGTGGCTGCGCA[G>T]CAGGGAGCGCACGGCTCGGCAGCGGGGAGCGCGCGGCATCGCGGGGGTGGCCGGGGCCAG-3'
Protein context (NP_937983.2, residues 4-24): APRCRAVRSL[Leu14Met]RSHYREVLPL